The following is an entry in ClinVar:

NM_006859.4(LIAS):c.548A>G (p.Asp183Gly)

Gene: LIAS (lipoic acid synthetase; plus strand). Cytogenetic location: 4p14.
Variant type: single nucleotide variant.
Coding change: c.548A>G on transcript NM_006859.4 (MANE Select); coding-DNA position 548, A replaced by G.
Protein change: p.Asp183Gly; replaces aspartic acid 183 with glycine.
Molecular consequence: missense variant. On other transcripts: intron variant (1).
Genome position (GRCh38, 1-based): chr4:39,465,200, A>G. VCF-style: chr4-39465200-A-G. GRCh37 (hg19) VCF-style: chr4-39466820-A-G.
Other names: c.548A>G, p.Asp183Gly (NM_001278590.2, NM_194451.3); c.299+1595A>G (NM_001363700.2); short protein forms D183G.
Identifiers: ClinVar variation 863915 (VCV000863915.7), dbSNP rs906832972, ClinGen allele CA95728909.

ClinVar aggregate classification (germline): Uncertain significance (1 of 4 stars; one submission).

Conditions:
Lipoic acid synthetase deficiency. Also called: HYPERGLYCINEMIA, LACTIC ACIDOSIS, AND SEIZURES. Identifiers: Orphanet 401859, MedGen C3280887, MONDO:0013762, OMIM 614462.

Submission:

Labcorp Genetics (formerly Invitae), Labcorp
Classification: Uncertain significance for Lipoic acid synthetase deficiency. Last evaluated: 2022-02-02. Review status: criteria provided, single submitter. Criteria: Invitae Variant Classification Sherloc (09022015). Collection method: clinical testing. Allele origin: germline.
Comment: This sequence change replaces aspartic acid, which is acidic and polar, with glycine, which is neutral and non-polar, at codon 183 of the LIAS protein (p.Asp183Gly). This variant is not present in population databases (gnomAD no frequency). This variant has not been reported in the literature in individuals affected with LIAS-related conditions. ClinVar contains an entry for this variant (Variation ID: 863915). Algorithms developed to predict the effect of missense changes on protein structure and function (SIFT, PolyPhen-2, Align-GVGD) all suggest that this variant is likely to be disruptive. Algorithms developed to predict the effect of sequence changes on RNA splicing suggest that this variant may create or strengthen a splice site. In summary, the available evidence is currently insufficient to determine the role of this variant in disease. Therefore, it has been classified as a Variant of Uncertain Significance.